The following is an entry in ClinVar:

NM_000535.7(PMS2):c.2050C>A (p.Leu684Met)

Gene: PMS2 (PMS1 homolog 2, mismatch repair system component; minus strand). Cytogenetic location: 7p22.1.
Variant type: single nucleotide variant.
Coding change: c.2050C>A on transcript NM_000535.7 (MANE Select); coding-DNA position 2050, C replaced by A.
Protein change: p.Leu684Met; replaces leucine 684 with methionine.
Molecular consequence: missense variant. On other transcripts: non-coding transcript variant (1).
Genome position (GRCh38, 1-based): chr7:5,982,948, G>T on the plus strand (C>A on the coding strand, the complement: PMS2 is on the minus strand). VCF-style: chr7-5982948-G-T. GRCh37 (hg19) VCF-style: chr7-6022579-G-T.
Other names: c.1645C>A, p.Leu549Met (NM_001406895.1, NM_001406896.1, NM_001406897.1 and 15 more transcripts); c.1585C>A, p.Leu529Met (NM_001406900.1); c.1576C>A, p.Leu526Met (NM_001406901.1, NM_001406902.1); c.1537C>A, p.Leu513Met (NM_001406904.1, NM_001406905.1); c.1489C>A, p.Leu497Met (NM_001406906.1, NM_001406907.1, NM_001322010.2); c.1477C>A, p.Leu493Met (NM_001406909.1, NM_001322013.2); c.1279C>A, p.Leu427Met (NM_001406911.1); c.847C>A, p.Leu283Met (NM_001406912.1); and 13 more; short protein forms L427M, L618M, L648M, L373M, L493M, L513M, L549M, L628M.
Identifiers: ClinVar variation 1785065 (VCV001785065.2), dbSNP rs1410726810, ClinGen allele CA366738105.

ClinVar aggregate classification (germline): Uncertain significance (1 of 4 stars; one submission).

Conditions:
Hereditary cancer-predisposing syndrome. Also called: Neoplastic Syndromes, Hereditary; Tumor predisposition; Hereditary Cancer Syndrome; Hereditary neoplastic syndrome. Identifiers: Orphanet 140162, MedGen C0027672, MeSH D009386, MONDO:0015356.

Submission:

Ambry Genetics
Classification: Uncertain significance for Hereditary cancer-predisposing syndrome. Last evaluated: 2017-03-07. Review status: criteria provided, single submitter. Criteria: Ambry Variant Classification Scheme 2023. Collection method: clinical testing. Allele origin: germline.
Comment: The p.L684M variant (also known as c.2050C>A), located in coding exon 12 of the PMS2 gene, results from a C to A substitution at nucleotide position 2050. The leucine at codon 684 is replaced by methionine, an amino acid with highly similar properties. This amino acid position is highly conserved in available vertebrate species. In addition, the in silico prediction for this alteration is inconclusive. Since supporting evidence is limited at this time, the clinical significance of this alteration remains unclear.